The following is an entry in ClinVar:

NM_005592.4(MUSK):c.2350G>A (p.Asp784Asn)

Gene: MUSK (muscle associated receptor tyrosine kinase; plus strand). Cytogenetic location: 9q31.3.
Variant type: single nucleotide variant.
Coding change: c.2350G>A on transcript NM_005592.4 (MANE Select); coding-DNA position 2350, G replaced by A.
Protein change: p.Asp784Asn; replaces aspartic acid 784 with asparagine.
Molecular consequence: missense variant.
Genome position (GRCh38, 1-based): chr9:110,800,728, G>A. VCF-style: chr9-110800728-G-A. GRCh37 (hg19) VCF-style: chr9-113563008-G-A.
Other names: c.2092G>A, p.Asp698Asn (NM_001166280.2); c.2062G>A, p.Asp688Asn (NM_001166281.2); c.1090G>A, p.Asp364Asn (NM_001369398.1); short protein forms D784N, D698N, D364N, D688N.
Identifiers: ClinVar variation 1387592 (VCV001387592.6), dbSNP rs2132067949, ClinGen allele CA374479404.

ClinVar aggregate classification (germline): Uncertain significance (1 of 4 stars; one submission).

Conditions:
Congenital myasthenic syndrome 9. Also called: Myasthenic syndrome, congenital, 9, associated with acetylcholine receptor deficiency. Identifiers: Orphanet 590, MedGen C4225368, MONDO:0014587, OMIM 616325.
Fetal akinesia deformation sequence 1 (FADS1). Also called: Fetal akinesia sequence; Pena-Shokeir syndrome type I. Identifiers: Orphanet 994, MedGen C1276035, MONDO:0100101, OMIM 208150, HP:0001989.

Submission:

Labcorp Genetics (formerly Invitae), Labcorp
Classification: Uncertain significance for Congenital myasthenic syndrome 9; Fetal akinesia deformation sequence 1. Last evaluated: 2022-11-08. Review status: criteria provided, single submitter. Criteria: Invitae Variant Classification Sherloc (09022015). Collection method: clinical testing. Allele origin: germline.
Comment: In summary, the available evidence is currently insufficient to determine the role of this variant in disease. Therefore, it has been classified as a Variant of Uncertain Significance. Advanced modeling of protein sequence and biophysical properties (such as structural, functional, and spatial information, amino acid conservation, physicochemical variation, residue mobility, and thermodynamic stability) performed at Invitae indicates that this missense variant is expected to disrupt MUSK protein function. ClinVar contains an entry for this variant (Variation ID: 1387592). This variant has not been reported in the literature in individuals affected with MUSK-related conditions. This variant is not present in population databases (gnomAD no frequency). This sequence change replaces aspartic acid, which is acidic and polar, with asparagine, which is neutral and polar, at codon 784 of the MUSK protein (p.Asp784Asn).